The following is an entry in ClinVar:

ClinVar aggregate classification (germline): Uncertain significance (1 of 4 stars; one submission).

Conditions:
Peripheral neuropathy. Also called: Neuropathy. Identifiers: MedGen C0031117, MONDO:0005244, HP:0009830.

Allele frequency attached by ClinVar (database versions not stated): TOPMed 0.00002; ESP Exome Variant Server 0.00015; gnomAD 0.00001.
gnomAD v4.1: 22 of 1,613,668 alleles (0.0014%); highest among the groups gnomAD compares: Non-Finnish European, 0.0017%; no homozygotes.

Submission:

Labcorp Genetics (formerly Invitae), Labcorp
Classification: Uncertain significance for Peripheral neuropathy. Last evaluated: 2017-04-25. Review status: criteria provided, single submitter. Criteria: Invitae Variant Classification Sherloc (09022015). Collection method: clinical testing. Allele origin: germline.
Comment: This sequence change replaces valine with leucine at codon 577 of the FLRT1 protein (p.Val577Leu). The valine residue is highly conserved and there is a small physicochemical difference between valine and leucine. In summary, this variant is a rare missense change that is not predicted to affect protein function. There is no indication that it causes disease, but the available evidence is currently insufficient to prove that conclusively. Therefore, it has been classified as a Variant of Uncertain Significance. Algorithms developed to predict the effect of missense changes on protein structure and function (SIFT, PolyPhen-2, Align-GVGD) all suggest that this variant is likely to be tolerated, but these predictions have not been confirmed by published functional studies. This variant is present in population databases (rs140274429, ExAC 0.005%) but has not been reported in the literature in individuals with a FLRT1-related disorder.

NM_013280.5(FLRT1):c.1729G>C (p.Val577Leu)

Genes: MACROD1 (mono-ADP ribosylhydrolase 1; minus strand), FLRT1 (fibronectin leucine rich transmembrane protein 1; plus strand). Cytogenetic location: 11q13.1.
Variant type: single nucleotide variant.
Coding change: c.1729G>C on transcript NM_013280.5 (MANE Select); coding-DNA position 1729, G replaced by C.
Protein change: p.Val577Leu; replaces valine 577 with leucine.
Molecular consequence: missense variant. On other transcripts: intron variant (2).
Genome position (GRCh38, 1-based): chr11:64,117,996, G>C. VCF-style: chr11-64117996-G-C. GRCh37 (hg19) VCF-style: chr11-63885468-G-C.
Other names: c.1729G>C, p.Val577Leu (NM_001384466.1); c.1645G>C, p.Val549Leu (NM_001423967.1); c.517+33243C>G (NM_001411019.1, NM_014067.4); short protein forms V577L, V549L.
Identifiers: ClinVar variation 461796 (VCV000461796.8), dbSNP rs140274429, ClinGen allele CA6067774.